The following is an entry in ClinVar:

ClinVar aggregate classification (germline): Uncertain significance. Review status: criteria provided, multiple submitters, no conflicts (2 of 4 stars). 3 submissions from 3 submitters: Uncertain significance (3). Last evaluated 2024-05-13.

Conditions:
Shashi-Pena syndrome (SHAPNS). Identifiers: Orphanet 689408, MedGen C4310672, MONDO:0014963, OMIM 617190.
Inborn genetic diseases. Identifiers: MedGen C0950123, MeSH D030342.

Allele frequency attached by ClinVar (database versions not stated): gnomAD exomes below 0.00001; ExAC 0.00001; gnomAD 0.00001; TOPMed 0.00002; 1000 Genomes Project 0.00020; 1000 Genomes Project 30x 0.00031.
gnomAD v4.1: 4 of 1,610,358 alleles (0.00025%); highest among the groups gnomAD compares: African/African-American, 0.0054%; no homozygotes.

Submissions (3):

Ambry Genetics
Classification: Uncertain significance for Inborn genetic diseases. Last evaluated: 2024-05-13. Review status: criteria provided, single submitter. Criteria: Ambry Variant Classification Scheme 2023. Collection method: clinical testing. Allele origin: germline.

Revvity Omics, Revvity
Classification: Uncertain significance for Shashi-Pena syndrome. Last evaluated: 2022-09-16. Review status: criteria provided, single submitter. Criteria: ACMG Guidelines, 2015. Collection method: clinical testing. Allele origin: germline.

Labcorp Genetics (formerly Invitae), Labcorp
Classification: Uncertain significance. Last evaluated: 2021-05-10. Review status: criteria provided, single submitter. Criteria: Invitae Variant Classification Sherloc (09022015). Collection method: clinical testing. Allele origin: germline.
Comment: This sequence change replaces serine with alanine at codon 1334 of the ASXL2 protein (p.Ser1334Ala). The serine residue is highly conserved and there is a moderate physicochemical difference between serine and alanine. This variant is present in population databases (rs191895729, ExAC 0.01%). This variant has not been reported in the literature in individuals with ASXL2-related conditions. Algorithms developed to predict the effect of missense changes on protein structure and function output the following: SIFT: "Deleterious"; PolyPhen-2: "Not Available"; Align-GVGD: "Class C0". The alanine amino acid residue is found in multiple mammalian species, suggesting that this missense change does not adversely affect protein function. These predictions have not been confirmed by published functional studies and their clinical significance is uncertain. In summary, the available evidence is currently insufficient to determine the role of this variant in disease. Therefore, it has been classified as a Variant of Uncertain Significance.

NM_018263.6(ASXL2):c.4000T>G (p.Ser1334Ala)

Gene: ASXL2 (ASXL transcriptional regulator 2; minus strand). Cytogenetic location: 2p23.3.
Variant type: single nucleotide variant.
Coding change: c.4000T>G on transcript NM_018263.6 (MANE Select); coding-DNA position 4000, T replaced by G.
Protein change: p.Ser1334Ala; replaces serine 1334 with alanine.
Molecular consequence: missense variant.
Genome position (GRCh38, 1-based): chr2:25,742,337, A>C on the plus strand (T>G on the coding strand, the complement: ASXL2 is on the minus strand). VCF-style: chr2-25742337-A-C. GRCh37 (hg19) VCF-style: chr2-25965206-A-C.
Other names: c.4000T>G (NM_018263.4); c.3826T>G, p.Ser1276Ala (NM_001369346.1); c.3220T>G, p.Ser1074Ala (NM_001369347.1); short protein forms S1074A, S1276A, S1334A.
Identifiers: ClinVar variation 1464930 (VCV001464930.13), dbSNP rs191895729, ClinGen allele CA1557380.